The following is an entry in ClinVar:

ClinVar aggregate classification (germline): Conflicting classifications of pathogenicity. Review status: criteria provided, conflicting classifications (1 of 4 stars). 4 submissions from 4 submitters: Uncertain significance (1); Likely benign (2). 1 of the submissions does not count toward it. Last evaluated 2025-09-25.

Conditions:
LAMA4-related disorder. Also called: LAMA4-related condition.
Dilated cardiomyopathy 1JJ (CMD1JJ). Identifiers: Orphanet 154, MedGen C3808935, MONDO:0014095, OMIM 615235.

Allele frequency attached by ClinVar (database versions not stated): gnomAD 0.00014 and 0.00013; 1000 Genomes Project 30x 0.00016; TOPMed 0.00018; 1000 Genomes Project 0.00020; gnomAD exomes 0.00008 and 0.00009; ExAC 0.00011.
gnomAD v4.1: 156 of 1,613,576 alleles (0.0097%); highest among the groups gnomAD compares: Admixed American, 0.02%; no homozygotes.

Submissions (4):

Labcorp Genetics (formerly Invitae), Labcorp
Classification: Likely benign for Dilated cardiomyopathy 1JJ. Last evaluated: 2025-09-25. Review status: criteria provided, single submitter. Criteria: Invitae Variant Classification Sherloc (09022015). Collection method: clinical testing. Allele origin: germline.

GeneDx
Classification: Likely benign. Last evaluated: 2020-05-20. Review status: criteria provided, single submitter. Criteria: GeneDx Variant Classification Process June 2021. Collection method: clinical testing. Allele origin: germline. Affected: yes.

Laboratory for Molecular Medicine, Mass General Brigham Personalized Medicine
Classification: Uncertain significance. Last evaluated: 2011-12-20. Review status: criteria provided, single submitter. Criteria: LMM Criteria. Collection method: clinical testing. Allele origin: germline. Observed: 1 variant allele.
Comment: The 3537-7T>C variant (LAMA4) has not been previously reported not previously id entified by our laboratory. This variant is located in the 3' slice consensus re gion, but does not alter the highly conserved -1 or -2 positions. In addition, t he nucleotides C and T are the two most common nucleotides identified at this po sition, suggesting a change between them may be tolerated. Computational tools d o not predict an impact on splicing, though the accuracy of these tools is unkno wn. Additional information is needed to fully assess the clinical significance o f the 3537-7T>C variant.

PreventionGenetics, part of Exact Sciences
Classification: Likely benign for LAMA4-related condition. Last evaluated: 2022-04-20. Review status: no assertion criteria provided. Collection method: clinical testing. Allele origin: germline. Not counted in ClinVar's aggregate classification.
Comment: This variant is classified as likely benign based on ACMG/AMP sequence variant interpretation guidelines (Richards et al. 2015 PMID: 25741868, with internal and published modifications).

NM_001105206.3(LAMA4):c.3558-7T>C

Gene: LAMA4 (laminin subunit alpha 4; minus strand). Cytogenetic location: 6q21.
Variant type: single nucleotide variant.
Coding change: c.3558-7T>C on transcript NM_001105206.3 (MANE Select); 7 bases into the intron before coding-DNA position 3558, T replaced by C.
Molecular consequence: intron variant.
Genome position (GRCh38, 1-based): chr6:112,133,494, A>G on the plus strand (T>C on the coding strand, the complement: LAMA4 is on the minus strand). VCF-style: chr6-112133494-A-G. GRCh37 (hg19) VCF-style: chr6-112454696-A-G.
Other names: c.3537-7T>C (NM_002290.5, NM_001105207.3).
Identifiers: ClinVar variation 44378 (VCV000044378.18), dbSNP rs200864778, ClinGen allele CA134037.